The following is an entry in ClinVar:

ClinVar aggregate classification (germline): Benign (0 of 4 stars; one submission).

Conditions:
ESRP1-related disorder. Also called: ESRP1-related condition.

Allele frequency attached by ClinVar (database versions not stated): 1000 Genomes Project 0.06450; 1000 Genomes Project 30x 0.06512; TOPMed 0.10963; gnomAD 0.12696; ESP Exome Variant Server 0.13375; ExAC 0.14430; gnomAD exomes 0.16884.
gnomAD v4.1: 264,923 of 1,612,560 alleles (16%); highest among the groups gnomAD compares: Non-Finnish European, 18%; 24,590 homozygotes.

Submission:

PreventionGenetics, part of Exact Sciences
Classification: Benign for ESRP1-related condition. Last evaluated: 2019-10-30. Review status: no assertion criteria provided. Collection method: clinical testing. Allele origin: germline.
Comment: This variant is classified as benign based on ACMG/AMP sequence variant interpretation guidelines (Richards et al. 2015 PMID: 25741868, with internal and published modifications).

NM_017697.4(ESRP1):c.327T>C (p.Asp109=)

Gene: ESRP1 (epithelial splicing regulatory protein 1; plus strand). Cytogenetic location: 8q22.1.
Variant type: single nucleotide variant.
Coding change: c.327T>C on transcript NM_017697.4 (MANE Select); coding-DNA position 327, T replaced by C.
Protein change: p.Asp109=; no amino-acid change (aspartic acid 109 retained).
Molecular consequence: synonymous variant.
Genome position (GRCh38, 1-based): chr8:94,643,368, T>C. VCF-style: chr8-94643368-T-C. GRCh37 (hg19) VCF-style: chr8-95655596-T-C.
Other names: c.327T>C, p.Asp109= (NM_001034915.3, NM_001122825.2, NM_001122826.2 and 1 more transcripts).
Identifiers: ClinVar variation 3060039 (VCV003060039.2), dbSNP rs72676907, ClinGen allele CA4811985.